The following is an entry in ClinVar:

NM_182961.4(SYNE1):c.22589+259A>G

Gene: SYNE1 (spectrin repeat containing nuclear envelope protein 1; minus strand). Cytogenetic location: 6q25.2.
Variant type: single nucleotide variant.
Coding change: c.22589+259A>G on transcript NM_182961.4 (MANE Select); 259 bases into the intron after coding-DNA position 22589, A replaced by G.
Molecular consequence: intron variant.
Genome position (GRCh38, 1-based): chr6:152,211,235, T>C on the plus strand (A>G on the coding strand, the complement: SYNE1 is on the minus strand). VCF-style: chr6-152211235-T-C. GRCh37 (hg19) VCF-style: chr6-152532370-T-C.
Other names: c.22376+259A>G (NM_033071.5).
Identifiers: ClinVar variation 674228 (VCV000674228.1), dbSNP rs112946219, ClinGen allele CA150175340.

ClinVar aggregate classification (germline): Benign (1 of 4 stars; one submission).

Allele frequency attached by ClinVar (database versions not stated): gnomAD 0.02073 and 0.02222; 1000 Genomes Project 0.02216; TOPMed 0.02387; 1000 Genomes Project 30x 0.02420.
gnomAD v4.1: 3,123 of 152,338 alleles (2.1%); highest among the groups gnomAD compares: African/African-American, 6.9%; 97 homozygotes.

Submission:

GeneDx
Classification: Benign. Last evaluated: 2018-06-19. Review status: criteria provided, single submitter. Criteria: GeneDx Variant Classification (06012015). Collection method: clinical testing. Allele origin: germline. Affected: yes.
Comment: This variant is considered likely benign or benign based on one or more of the following criteria: it is a conservative change, it occurs at a poorly conserved position in the protein, it is predicted to be benign by multiple in silico algorithms, and/or has population frequency not consistent with disease.